The following is an entry in ClinVar:

ClinVar aggregate classification (germline): Uncertain significance (1 of 4 stars; one submission).

gnomAD v4.1: 6 of 1,536,360 alleles (0.00039%); highest among the groups gnomAD compares: Non-Finnish European, 0.00052%; no homozygotes.

Submission:

Labcorp Genetics (formerly Invitae), Labcorp
Classification: Uncertain significance. Last evaluated: 2024-05-14. Review status: criteria provided, single submitter. Criteria: Invitae Variant Classification Sherloc (09022015). Collection method: clinical testing. Allele origin: germline.
Comment: The FMN1 gene has multiple clinically relevant transcripts. This variant occurs in alternate transcript NM_001277314.1, and corresponds to NM_001277314.1:c.-85938G>A in the primary transcript. This sequence change replaces valine, which is neutral and non-polar, with isoleucine, which is neutral and non-polar, at codon 365 of the FMN1 protein (p.Val365Ile). This variant is not present in population databases (gnomAD no frequency). This variant has not been reported in the literature in individuals affected with FMN1-related conditions. Experimental studies and prediction algorithms are not available or were not evaluated, and the functional significance of this variant is currently unknown. In summary, the available evidence is currently insufficient to determine the role of this variant in disease. Therefore, it has been classified as a Variant of Uncertain Significance.

NM_001277313.2(FMN1):c.1093G>A (p.Val365Ile)

Gene: FMN1 (formin 1; minus strand). Cytogenetic location: 15q13.3.
Variant type: single nucleotide variant.
Coding change: c.1093G>A on transcript NM_001277313.2 (MANE Select); coding-DNA position 1093, G replaced by A.
Protein change: p.Val365Ile; replaces valine 365 with isoleucine.
Molecular consequence: missense variant.
Genome position (GRCh38, 1-based): chr15:33,153,822, C>T on the plus strand (G>A on the coding strand, the complement: FMN1 is on the minus strand). VCF-style: chr15-33153822-C-T. GRCh37 (hg19) VCF-style: chr15-33446023-C-T.
Other names: c.1093G>A, p.Val365Ile (NM_001277314.2); short protein forms V365I.
Identifiers: ClinVar variation 3706718 (VCV003706718.2).